The following is an entry in ClinVar:

ClinVar aggregate classification (germline): Uncertain significance (1 of 4 stars; one submission).

Allele frequency attached by ClinVar (database versions not stated): gnomAD 0.00001.

Submission:

Labcorp Genetics (formerly Invitae), Labcorp
Classification: Uncertain significance. Last evaluated: 2022-02-28. Review status: criteria provided, single submitter. Criteria: Invitae Variant Classification Sherloc (09022015). Collection method: clinical testing. Allele origin: germline.
Comment: In summary, the available evidence is currently insufficient to determine the role of this variant in disease. Therefore, it has been classified as a Variant of Uncertain Significance. Algorithms developed to predict the effect of missense changes on protein structure and function output the following: SIFT: "Tolerated"; PolyPhen-2: "Benign"; Align-GVGD: "Class C0". The isoleucine amino acid residue is found in multiple mammalian species, which suggests that this missense change does not adversely affect protein function. This variant has not been reported in the literature in individuals affected with CPLANE1-related conditions. This variant is present in population databases (rs200896462, gnomAD 0.01%). This sequence change replaces methionine, which is neutral and non-polar, with isoleucine, which is neutral and non-polar, at codon 1049 of the CPLANE1 protein (p.Met1049Ile).

NM_001384732.1(CPLANE1):c.3147G>A (p.Met1049Ile)

Gene: CPLANE1 (ciliogenesis and planar polarity effector complex subunit 1; minus strand). Cytogenetic location: 5p13.2.
Variant type: single nucleotide variant.
Coding change: c.3147G>A on transcript NM_001384732.1 (MANE Select); coding-DNA position 3147, G replaced by A.
Protein change: p.Met1049Ile; replaces methionine 1049 with isoleucine.
Molecular consequence: missense variant.
Genome position (GRCh38, 1-based): chr5:37,206,199, C>T on the plus strand (G>A on the coding strand, the complement: CPLANE1 is on the minus strand). VCF-style: chr5-37206199-C-T. GRCh37 (hg19) VCF-style: chr5-37206301-C-T.
Other names: c.3147G>A, p.Met1049Ile (NM_023073.4); short protein forms M1049I.
Identifiers: ClinVar variation 2104776 (VCV002104776.4), dbSNP rs200896462, ClinGen allele CA117082484.